The following is an entry in ClinVar:

NM_001128164.2(ATXN1):c.1170G>A (p.Thr390=)

Gene: ATXN1 (ataxin 1; minus strand). Cytogenetic location: 6p22.3.
Variant type: single nucleotide variant.
Coding change: c.1170G>A on transcript NM_001128164.2 (MANE Select); coding-DNA position 1170, G replaced by A.
Protein change: p.Thr390=; no amino-acid change (threonine 390 retained).
Molecular consequence: synonymous variant. On other transcripts: 3 prime UTR variant (1).
Genome position (GRCh38, 1-based): chr6:16,327,141, C>T on the plus strand (G>A on the coding strand, the complement: ATXN1 is on the minus strand). VCF-style: chr6-16327141-C-T. GRCh37 (hg19) VCF-style: chr6-16327372-C-T.
Other names: c.1170G>A, p.Thr390= (NM_000332.4); c.*583G>A (NM_001357857.2).
Identifiers: ClinVar variation 3034311 (VCV003034311.3), dbSNP rs555394805, ClinGen allele CA3645393.

ClinVar aggregate classification (germline): Likely benign. Review status: criteria provided, single submitter (1 of 4 stars). 2 submissions from 2 submitters: Likely benign (1). 1 of the submissions does not count toward it. Last evaluated 2024-02-23.

Conditions:
ATXN1-related disorder. Also called: ATXN1-related condition.

Allele frequency attached by ClinVar (database versions not stated): gnomAD 0.00021; TOPMed 0.00022; ExAC 0.00035; 1000 Genomes Project 30x 0.00172; 1000 Genomes Project 0.00220.
gnomAD v4.1: 180 of 1,613,584 alleles (0.011%); highest among the groups gnomAD compares: East Asian, 0.31%; no homozygotes.

Submissions (2):

Blueprint Genetics
Classification: Likely benign. Last evaluated: 2024-02-23. Review status: criteria provided, single submitter. Criteria: ACMG Guidelines, 2015. Collection method: clinical testing. Allele origin: germline.

PreventionGenetics, part of Exact Sciences
Classification: Benign for ATXN1-related condition. Last evaluated: 2019-06-20. Review status: no assertion criteria provided. Collection method: clinical testing. Allele origin: germline. Not counted in ClinVar's aggregate classification.
Comment: This variant is classified as benign based on ACMG/AMP sequence variant interpretation guidelines (Richards et al. 2015 PMID: 25741868, with internal and published modifications).